The following is an entry in ClinVar:

ClinVar aggregate classification (germline): Conflicting classifications of pathogenicity. Review status: criteria provided, conflicting classifications (1 of 4 stars). 5 submissions from 5 submitters: Uncertain significance (4); Likely benign (1). Last evaluated 2026-03-11.

Conditions:
ALPK3-related disorder. Also called: ALPK3-related condition.
Cardiomyopathy, familial hypertrophic 27. Identifiers: MedGen C4748014, MONDO:0054838, OMIM 618052.
Cardiovascular phenotype. Identifiers: MedGen CN230736.

Allele frequency attached by ClinVar (database versions not stated): gnomAD exomes 0.00005; ExAC 0.00007; TOPMed 0.00009; ESP Exome Variant Server 0.00015.
gnomAD v4.1: 183 of 1,614,032 alleles (0.011%); highest among the groups gnomAD compares: Middle Eastern, 0.016%; no homozygotes.

Submissions (5):

PreventionGenetics, part of Exact Sciences
Classification: Uncertain significance for ALPK3-related condition. Last evaluated: 2026-03-11. Review status: criteria provided, single submitter. Criteria: ACMG Guidelines, 2015. Collection method: clinical testing. Allele origin: germline.
Comment: The ALPK3 c.5489C>T variant is predicted to result in the amino acid substitution p.Pro1830Leu. This variant has been reported in an individual with dilated cardiomyopathy who also carried an additional cardiac variant (Supplemental table 2, Burstein et al. 2021. PubMed ID: 32746448). This variant is reported in 0.011% of alleles in individuals of European (Non-Finnish) descent in gnomAD. At this time, the clinical significance of this variant is uncertain due to the absence of conclusive functional and genetic evidence.

Labcorp Genetics (formerly Invitae), Labcorp
Classification: Uncertain significance. Last evaluated: 2026-01-27. Review status: criteria provided, single submitter. Criteria: Invitae Variant Classification Sherloc (09022015). Collection method: clinical testing. Allele origin: germline.
Comment: This sequence change replaces proline, which is neutral and non-polar, with leucine, which is neutral and non-polar, at codon 1830 of the ALPK3 protein (p.Pro1830Leu). This variant is present in population databases (rs371706327, gnomAD 0.01%). This missense change has been observed in individual(s) with dilated cardiomyopathy (PMID: 32746448). ClinVar contains an entry for this variant (Variation ID: 1223862). An algorithm developed to predict the effect of missense changes on protein structure and function outputs the following: PolyPhen-2: "Benign". The leucine amino acid residue is found in multiple mammalian species, which suggests that this missense change does not adversely affect protein function. In summary, the available evidence is currently insufficient to determine the role of this variant in disease. Therefore, it has been classified as a Variant of Uncertain Significance.

Ambry Genetics
Classification: Likely benign for Cardiovascular phenotype. Last evaluated: 2024-11-15. Review status: criteria provided, single submitter. Criteria: Ambry Variant Classification Scheme 2023. Collection method: clinical testing. Allele origin: germline.

GeneDx
Classification: Uncertain significance. Last evaluated: 2023-09-14. Review status: criteria provided, single submitter. Criteria: GeneDx Variant Classification Process June 2021. Collection method: clinical testing. Allele origin: germline. Affected: yes.
Comment: Identified in a patient with DCM in published literature (Burstein et al., 2021); reported as P1830L due to alternate nomenclature; In silico analysis supports that this missense variant does not alter protein structure/function; This variant is associated with the following publications: (PMID: 32746448)

Revvity Omics, Revvity
Classification: Uncertain significance for Cardiomyopathy, familial hypertrophic 27. Last evaluated: 2021-02-02. Review status: criteria provided, single submitter. Criteria: ACMG Guidelines, 2015. Collection method: clinical testing. Allele origin: germline.

Literature cited by the submitters: PubMed 32746448 (cited by Labcorp Genetics (formerly Invitae), Labcorp and Ambry Genetics).

NM_020778.5(ALPK3):c.4883C>T (p.Pro1628Leu)

Gene: ALPK3 (alpha kinase 3; plus strand). Cytogenetic location: 15q25.3.
Variant type: single nucleotide variant.
Coding change: c.4883C>T on transcript NM_020778.5 (MANE Select); coding-DNA position 4883, C replaced by T.
Protein change: p.Pro1628Leu; replaces proline 1628 with leucine.
Molecular consequence: missense variant.
Genome position (GRCh38, 1-based): chr15:84,868,221, C>T. VCF-style: chr15-84868221-C-T. GRCh37 (hg19) VCF-style: chr15-85411452-C-T.
Other names: short protein forms P1628L.
Identifiers: ClinVar variation 1223862 (VCV001223862.18), dbSNP rs371706327, ClinGen allele CA7710108.